The following is an entry in ClinVar:

NM_014845.6(FIG4):c.1388+2T>C

Gene: FIG4 (FIG4 phosphoinositide 5-phosphatase; plus strand). Cytogenetic location: 6q21.
Variant type: single nucleotide variant.
Coding change: c.1388+2T>C on transcript NM_014845.6 (MANE Select); the canonical splice donor site of the intron after coding-DNA position 1388, T replaced by C.
Molecular consequence: splice donor variant.
Genome position (GRCh38, 1-based): chr6:109,762,209, T>C. VCF-style: chr6-109762209-T-C. GRCh37 (hg19) VCF-style: chr6-110083412-T-C.
Identifiers: ClinVar variation 3672902 (VCV003672902.2).

ClinVar aggregate classification (germline): Likely pathogenic (1 of 4 stars; one submission).

Conditions:
Charcot-Marie-Tooth disease type 4. Also called: Charcot-Marie-Tooth disease, type IV; Charcot-Marie-Tooth, Type 4. Identifiers: Orphanet 64749, MedGen C4082197, MONDO:0018995.

gnomAD v4.1: 3 of 1,519,488 alleles (0.0002%); highest among the groups gnomAD compares: Admixed American, 0.005%; no homozygotes.

Submission:

Labcorp Genetics (formerly Invitae), Labcorp
Classification: Likely pathogenic for Charcot-Marie-Tooth disease type 4. Last evaluated: 2025-02-20. Review status: criteria provided, single submitter. Criteria: Invitae Variant Classification Sherloc (09022015). Collection method: clinical testing. Allele origin: germline.
Comment: This sequence change affects a donor splice site in intron 12 of the FIG4 gene. It is expected to disrupt RNA splicing. Variants that disrupt the donor or acceptor splice site typically lead to a loss of protein function (PMID: 16199547), and loss-of-function variants in FIG4 are known to be pathogenic (PMID: 23623387, 30740813). This variant is present in population databases (rs778562073, gnomAD 0.003%). This variant has not been reported in the literature in individuals affected with FIG4-related conditions. Algorithms developed to predict the effect of sequence changes on RNA splicing suggest that this variant may disrupt the consensus splice site. In summary, the currently available evidence indicates that the variant is pathogenic, but additional data are needed to prove that conclusively. Therefore, this variant has been classified as Likely Pathogenic.

Literature cited by the submitters: PubMed 16199547; PubMed 23623387; PubMed 30740813.